The following is an entry in ClinVar:

ClinVar aggregate classification (germline): Conflicting classifications of pathogenicity. Review status: criteria provided, conflicting classifications (1 of 4 stars). 6 submissions from 6 submitters: Uncertain significance (2); Benign (1). 3 of the submissions do not count toward it. Last evaluated 2024-10-09.

Conditions:
3MC syndrome 1. Also called: MICHELS SYNDROME; CRANIOSYNOSTOSIS WITH LID ANOMALIES; OCULOPALATOSKELETAL SYNDROME. Identifiers: Orphanet 293843, MedGen C0796059, MONDO:0009770, OMIM 257920.
MASP1-related disorder. Also called: MASP1-related condition.

Allele frequency attached by ClinVar (database versions not stated): ESP Exome Variant Server 0.00015; gnomAD 0.00029 and 0.00031; TOPMed 0.00029; ExAC 0.00035; gnomAD exomes 0.00045.
gnomAD v4.1: 495 of 1,614,224 alleles (0.031%); highest among the groups gnomAD compares: Middle Eastern, 0.12%; 1 homozygote.

Submissions (6):

Blueprint Genetics
Classification: Uncertain significance. Last evaluated: 2024-10-09. Review status: criteria provided, single submitter. Criteria: ACMG Guidelines, 2015. Collection method: clinical testing. Allele origin: germline.

Labcorp Genetics (formerly Invitae), Labcorp
Classification: Benign for 3MC syndrome 1. Last evaluated: 2024-02-26. Review status: criteria provided, single submitter. Criteria: Invitae Variant Classification Sherloc (09022015). Collection method: clinical testing. Allele origin: germline.

Center for Genomics, Ann and Robert H. Lurie Children's Hospital of Chicago
Classification: Uncertain significance for 3MC syndrome 1. Last evaluated: 2021-12-08. Review status: criteria provided, single submitter. Criteria: ACMG Guidelines, 2015. Collection method: clinical testing. Allele origin: germline.
Comment: MASP1 NM_139125.3 exon 11 p.Arg503Cys (c.1507C>T): This variant has not been reported in the literature but is present in 0.6% (69/10366) of Ashkenazi Jewish alleles in the Genome Aggregation Database. This variant is present in ClinVar (Variation ID:636655). Evolutionary conservation and computational predictive tools suggest that this variant may impact the protein. In summary, data on this variant is insufficient for disease classification. Therefore, the clinical significance of this variant is uncertain.

PreventionGenetics, part of Exact Sciences
Classification: Likely benign for MASP1-related condition. Last evaluated: 2022-05-10. Review status: no assertion criteria provided. Collection method: clinical testing. Allele origin: germline. Not counted in ClinVar's aggregate classification.
Comment: This variant is classified as likely benign based on ACMG/AMP sequence variant interpretation guidelines (Richards et al. 2015 PMID: 25741868, with internal and published modifications).

Clinical Genetics DNA and cytogenetics Diagnostics Lab, Erasmus MC, Erasmus Medical Center
Classification: Uncertain significance. Review status: no assertion criteria provided. Collection method: clinical testing. Allele origin: germline. Affected: yes. Study: VKGL Data-share Consensus. Not counted in ClinVar's aggregate classification.

Laboratory of Diagnostic Genome Analysis, Leiden University Medical Center (LUMC)
Classification: Uncertain significance. Review status: no assertion criteria provided. Collection method: clinical testing. Allele origin: germline. Affected: yes. Study: VKGL Data-share Consensus. Not counted in ClinVar's aggregate classification.

NM_139125.4(MASP1):c.1507C>T (p.Arg503Cys)

Gene: MASP1 (MBL associated serine protease 1; minus strand). Cytogenetic location: 3q27.3.
Variant type: single nucleotide variant.
Coding change: c.1507C>T on transcript NM_139125.4 (MANE Select); coding-DNA position 1507, C replaced by T.
Protein change: p.Arg503Cys; replaces arginine 503 with cysteine.
Molecular consequence: missense variant. On other transcripts: non-coding transcript variant (1), intron variant (1).
Genome position (GRCh38, 1-based): chr3:187,236,364, G>A on the plus strand (C>T on the coding strand, the complement: MASP1 is on the minus strand). VCF-style: chr3-187236364-G-A. GRCh37 (hg19) VCF-style: chr3-186954152-G-A.
Other names: c.1303+5117C>T (NM_001879.6); short protein forms R503C.
Identifiers: ClinVar variation 636655 (VCV000636655.14), dbSNP rs201025468, ClinGen allele CA2749245.